The following is an entry in ClinVar:

ClinVar aggregate classification (germline): Pathogenic (1 of 4 stars; one submission).

Conditions:
Hereditary nonpolyposis colorectal neoplasms. Identifiers: MedGen C0009405, MeSH D003123.

Submission:

Labcorp Genetics (formerly Invitae), Labcorp
Classification: Pathogenic for Hereditary nonpolyposis colorectal neoplasms. Last evaluated: 2025-10-13. Review status: criteria provided, single submitter. Criteria: Invitae Variant Classification Sherloc (09022015). Collection method: clinical testing. Allele origin: germline.
Comment: This sequence change creates a premature translational stop signal (p.Arg644Asnfs*7) in the MSH6 gene. It is expected to result in an absent or disrupted protein product. Loss-of-function variants in MSH6 are known to be pathogenic (PMID: 18269114, 24362816). This variant is not present in population databases (gnomAD no frequency). This variant has not been reported in the literature in individuals affected with MSH6-related conditions. For these reasons, this variant has been classified as Pathogenic.

Literature cited by the submitters: PubMed 18269114; PubMed 24362816.

NM_000179.3(MSH6):c.1923_1930dup (p.Arg644fs)

Gene: MSH6 (mutS homolog 6; plus strand). Cytogenetic location: 2p16.3.
Variant type: Duplication.
Coding change: c.1923_1930dup on transcript NM_000179.3 (MANE Select); coding-DNA positions 1923 to 1930, 8 bases duplicated (ATATTTTA; older notation c.1923_1930dupATATTTTA).
Protein change: p.Arg644fs; shifts the reading frame from arginine 644.
Molecular consequence: frameshift variant. On other transcripts: non-coding transcript variant (5), intron variant (2).
Genome position (GRCh38, 1-based): chr2:47,799,906-47,799,913, ATATTTTA duplicated; duplicating any 8 consecutive bases within chr2:47,799,905-47,799,913 gives the same sequence; the c. name uses the placement nearest the transcript's 3' end. VCF-style (leftmost placement, unchanged base first): chr2-47799904-G-GAATATTTT. GRCh37 (hg19) VCF-style: chr2-48027043-G-GAATATTTT.
Other names: c.1533_1540dup, p.Arg514fs (NM_001281492.2); c.1017_1024dup, p.Arg342fs (NM_001281493.2, NM_001281494.2, NM_001406811.1 and 6 more transcripts); c.2019_2026dup, p.Arg676fs (NM_001406795.1, NM_001406802.1); c.1923_1930dup, p.Arg644fs (NM_001406796.1, NM_001406798.1, NM_001406800.1 and 3 more transcripts); c.1626_1633dup, p.Arg545fs (NM_001406797.1, NM_001406801.1, NM_001406805.1 and 10 more transcripts); c.1398_1405dup, p.Arg469fs (NM_001406799.1, NM_001406806.1, NM_001406807.1); c.1845_1852dup, p.Arg618fs (NM_001406804.1); c.1929_1936dup, p.Arg646fs (NM_001406813.1); and 3 more; short protein forms R644fs, R676fs, R618fs, R342fs, R514fs, R545fs, R588fs, R646fs.
Identifiers: ClinVar variation 4729111 (VCV004729111.1).